The following is an entry in ClinVar:

NM_022168.4(IFIH1):c.1524+2T>A

Gene: IFIH1 (interferon induced with helicase C domain 1; minus strand). Cytogenetic location: 2q24.2.
Variant type: single nucleotide variant.
Coding change: c.1524+2T>A on transcript NM_022168.4 (MANE Select); the canonical splice donor site of the intron after coding-DNA position 1524, T replaced by A.
Molecular consequence: splice donor variant.
Genome position (GRCh38, 1-based): chr2:162,281,326, A>T on the plus strand (T>A on the coding strand, the complement: IFIH1 is on the minus strand). VCF-style: chr2-162281326-A-T. GRCh37 (hg19) VCF-style: chr2-163137836-A-T.
Identifiers: ClinVar variation 3753375 (VCV003753375.2).

ClinVar aggregate classification (germline): Uncertain significance (1 of 4 stars; one submission).

Conditions:
Aicardi-Goutieres syndrome 7 (AGS7). Identifiers: Orphanet 51, MedGen C3888244, MONDO:0014367, OMIM 615846.
Singleton-Merten syndrome 1 (SGMRT1). Also called: Widened medullary cavities of bone, aortic calcification, abnormal dentition, and muscular weakness; Syndrome of widened medullary cavities of the metacarpals and phalanges, aortic calcification and abnormal dentition. Identifiers: Orphanet 85191, MedGen C4225427, MONDO:0024535, OMIM 182250.

gnomAD v4.1: 3 of 1,609,156 alleles (0.00019%); highest among the groups gnomAD compares: Non-Finnish European, 0.00025%; no homozygotes.

Submission:

Labcorp Genetics (formerly Invitae), Labcorp
Classification: Uncertain significance for Aicardi-Goutieres syndrome 7; Singleton-Merten syndrome 1. Last evaluated: 2024-11-12. Review status: criteria provided, single submitter. Criteria: Invitae Variant Classification Sherloc (09022015). Collection method: clinical testing. Allele origin: germline.
Comment: This sequence change affects a donor splice site in intron 7 of the IFIH1 gene. It is expected to disrupt RNA splicing. Variants that disrupt the donor or acceptor splice site typically lead to a loss of protein function (PMID: 16199547), however the current clinical and genetic evidence is not sufficient to establish whether loss-of-function variants in IFIH1 cause disease. This variant is not present in population databases (gnomAD no frequency). This variant has not been reported in the literature in individuals affected with IFIH1-related conditions. Algorithms developed to predict the effect of sequence changes on RNA splicing suggest that this variant may disrupt the consensus splice site. In summary, the available evidence is currently insufficient to determine the role of this variant in disease. Therefore, it has been classified as a Variant of Uncertain Significance.

Literature cited by the submitters: PubMed 16199547.